The following is an entry in ClinVar:

NM_001142800.2(EYS):c.4402G>T (p.Asp1468Tyr)

Gene: EYS (EGF-like photoreceptor maintenance factor; minus strand). Cytogenetic location: 6q12.
Variant type: single nucleotide variant.
Coding change: c.4402G>T on transcript NM_001142800.2 (MANE Select); coding-DNA position 4402, G replaced by T.
Protein change: p.Asp1468Tyr; replaces aspartic acid 1468 with tyrosine.
Molecular consequence: missense variant.
Genome position (GRCh38, 1-based): chr6:64,591,465, C>A on the plus strand (G>T on the coding strand, the complement: EYS is on the minus strand). VCF-style: chr6-64591465-C-A. GRCh37 (hg19) VCF-style: chr6-65301358-C-A.
Other names: c.4402G>T, p.Asp1468Tyr (NM_001292009.2); short protein forms D1468Y.
Identifiers: ClinVar variation 1502787 (VCV001502787.8), dbSNP rs778752557, ClinGen allele CA364783407.

ClinVar aggregate classification (germline): Uncertain significance (1 of 4 stars; one submission).

gnomAD v4.1: 1 of 1,551,300 alleles (0.000064%); highest among the groups gnomAD compares: Non-Finnish European, 0.000087%; no homozygotes.

Submission:

Labcorp Genetics (formerly Invitae), Labcorp
Classification: Uncertain significance. Last evaluated: 2022-07-12. Review status: criteria provided, single submitter. Criteria: Invitae Variant Classification Sherloc (09022015). Collection method: clinical testing. Allele origin: germline.
Comment: This variant is not present in population databases (gnomAD no frequency). This variant has not been reported in the literature in individuals affected with EYS-related conditions. ClinVar contains an entry for this variant (Variation ID: 1502787). Algorithms developed to predict the effect of missense changes on protein structure and function (SIFT, PolyPhen-2, Align-GVGD) all suggest that this variant is likely to be disruptive. In summary, the available evidence is currently insufficient to determine the role of this variant in disease. Therefore, it has been classified as a Variant of Uncertain Significance. This sequence change replaces aspartic acid, which is acidic and polar, with tyrosine, which is neutral and polar, at codon 1468 of the EYS protein (p.Asp1468Tyr).